The following is an entry in ClinVar:

ClinVar aggregate classification (germline): Likely pathogenic (1 of 4 stars; one submission).

Conditions:
Leukodystrophy, hypomyelinating, 7, with or without oligodontia and/or hypogonadotropic hypogonadism (HLD7). Also called: LEUKOENCEPHALOPATHY, HYPOMYELINATING, WITH ATAXIA AND DELAYED DENTITION; ATAXIA, DELAYED DENTITION, AND HYPOMYELINATION; LEUKODYSTROPHY, HYPOMYELINATING, 7, WITH OLIGODONTIA; LEUKODYSTROPHY, HYPOMYELINATING, 7, WITH OLIGODONTIA AND HYPOGONADOTROPIC HYPOGONADISM; LEUKODYSTROPHY, HYPOMYELINATING, 7, WITHOUT OLIGODONTIA OR HYPOGONADOTROPIC HYPOGONADISM; Ataxia, Delayed Dentition and Hypomyelination (ADDH). Identifiers: Orphanet 137639, Orphanet 447893, Orphanet 447896, Orphanet 77295, Orphanet 88637, MedGen CN034185, MONDO:0011897, OMIM 607694.

Submission:

Department of Medical Genetics, Eskisehir Osmangazi University, Faculty Of Medicine
Classification: Likely pathogenic for Leukodystrophy, hypomyelinating, 7, with or without oligodontia and/or hypogonadotropic hypogonadism. Last evaluated: 2026-08-30. Review status: criteria provided, single submitter. Criteria: ACMG Guidelines, 2015. Collection method: clinical testing. Allele origin: paternal. Inheritance: Autosomal recessive inheritance. Affected: yes. Observed: 1 variant allele, 1 heterozygote.
Comment: The variant was not observed in gnomAD. Computational evidence supports a deleterious effect, including a REVEL score of 0.77. Based on the available population, computational, regional, phenotypic, and segregation evidence, we classify this variant as likely pathogenic according to ACMG/AMP guidelines.

Literature cited by the submitters: PubMed 21855841; PubMed 25339210.

NM_007055.4(POLR3A):c.2102G>T (p.Gly701Val)

Gene: POLR3A (RNA polymerase III subunit A; minus strand). Cytogenetic location: 10q22.3.
Variant type: single nucleotide variant.
Coding change: c.2102G>T on transcript NM_007055.4 (MANE Select); coding-DNA position 2102, G replaced by T.
Protein change: p.Gly701Val; replaces glycine 701 with valine.
Molecular consequence: missense variant.
Genome position (GRCh38, 1-based): chr10:78,004,861, C>A on the plus strand (G>T on the coding strand, the complement: POLR3A is on the minus strand). VCF-style: chr10-78004861-C-A. GRCh37 (hg19) VCF-style: chr10-79764619-C-A.
Other names: p.(Gly701Val); short protein forms G701V.
Identifiers: ClinVar variation 4888005 (VCV004888005.1).